The following is an entry in ClinVar:

ClinVar aggregate classification (germline): Uncertain significance. Review status: criteria provided, multiple submitters, no conflicts (2 of 4 stars). 3 submissions from 3 submitters: Uncertain significance (3). Last evaluated 2025-12-15.

Conditions:
Malignant hyperthermia, susceptibility to, 5 (MHS5). Also called: CACNA1S-Related Malignant Hyperthermia Susceptibility. Identifiers: Orphanet 423, MedGen C1866077, MONDO:0011163, OMIM 601887.

gnomAD v4.1: 10 of 1,614,118 alleles (0.00062%); highest among the groups gnomAD compares: Admixed American, 0.0017%; no homozygotes.

Submissions (3):

Color Diagnostics, LLC DBA Color Health
Classification: Uncertain significance for Malignant hyperthermia, susceptibility to, 5. Last evaluated: 2025-12-15. Review status: criteria provided, single submitter. Criteria: ACMG Guidelines, 2015. Collection method: clinical testing. Allele origin: germline.
Comment: This missense variant replaces alanine with threonine at codon 1282 of the CACNA1S protein. Computational prediction suggests that this variant may have deleterious impact on protein structure and function. To our knowledge, functional studies have not been reported for this variant. This variant has not been reported in individuals affected with CACNA1S-related disorders in the literature. This variant has been identified in 4/282832 chromosomes in the general population by the Genome Aggregation Database (gnomAD). The available evidence is insufficient to determine the role of this variant in disease conclusively. Therefore, this variant is classified as a Variant of Uncertain Significance.

GeneDx
Classification: Uncertain significance. Last evaluated: 2025-05-01. Review status: criteria provided, single submitter. Criteria: GeneDx Variant Classification Process June 2021. Collection method: clinical testing. Allele origin: germline. Affected: yes.
Comment: In silico analysis supports that this missense variant has a deleterious effect on protein structure/function; Has not been previously published as pathogenic or benign to our knowledge

All of Us Research Program, National Institutes of Health
Classification: Uncertain significance for Malignant hyperthermia, susceptibility to, 5. Last evaluated: 2024-01-11. Review status: criteria provided, single submitter. Criteria: ACMG Guidelines, 2015. Collection method: clinical testing. Allele origin: germline. Inheritance: Autosomal dominant inheritance. Observed: 4 variant alleles, 4 heterozygotes.
Comment: This missense variant replaces alanine with threonine at codon 1282 of the CACNA1S protein. Computational prediction suggests that this variant may have deleterious impact on protein structure and function (internally defined REVEL score threshold >= 0.7, PMID: 27666373). To our knowledge, functional studies have not been reported for this variant. This variant has not been reported in individuals affected with CACNA1S-related disorders in the literature. This variant has been identified in 4/282832 chromosomes in the general population by the Genome Aggregation Database (gnomAD). The available evidence is insufficient to determine the role of this variant in disease conclusively. Therefore, this variant is classified as a Variant of Uncertain Significance.

This study involves interpretation of variants in research participants for the purpose of population health screening. Participant phenotype was not available at the time of variant classification. Additional details can be found in publication PMID: 35346344, PMCID: PMC8962531

NM_000069.3(CACNA1S):c.3844G>A (p.Ala1282Thr)

Gene: CACNA1S (calcium voltage-gated channel subunit alpha1 S; minus strand). Cytogenetic location: 1q32.1.
Variant type: single nucleotide variant.
Coding change: c.3844G>A on transcript NM_000069.3 (MANE Select); coding-DNA position 3844, G replaced by A.
Protein change: p.Ala1282Thr; replaces alanine 1282 with threonine.
Molecular consequence: missense variant.
Genome position (GRCh38, 1-based): chr1:201,053,226, C>T on the plus strand (G>A on the coding strand, the complement: CACNA1S is on the minus strand). VCF-style: chr1-201053226-C-T. GRCh37 (hg19) VCF-style: chr1-201022354-C-T.
Other names: c.3844G>A (NM_000069.2); short protein forms A1282T.
Identifiers: ClinVar variation 3070172 (VCV003070172.3), dbSNP rs774300377, ClinGen allele CA082874.